The following is an entry in ClinVar:

ClinVar aggregate classification (germline): Likely pathogenic (1 of 4 stars; one submission).

Conditions:
DYRK1B-related disorder. Also called: DYRK1B-related condition.

Allele frequency attached by ClinVar (database versions not stated): gnomAD 0.00001; ExAC 0.00002; gnomAD exomes 0.00002; TOPMed 0.00002; ESP Exome Variant Server 0.00008.

Submission:

PreventionGenetics, part of Exact Sciences
Classification: Likely pathogenic for DYRK1B-related condition. Last evaluated: 2026-04-29. Review status: criteria provided, single submitter. Criteria: ACMG Guidelines, 2015. Collection method: clinical testing. Allele origin: germline.
Comment: The DYRK1B c.202A>C variant is predicted to result in the amino acid substitution p.Lys68Gln. This variant was reported to segregate in a family with metabolic syndrome with central obesity (Family 2, Mendoza-Caamal et al. 2021. PubMed ID: 34193236). This variant is located within the putative nuclear targeting sequence (NTS) of DYRK1B and functional studies indicated that this variant impaired nuclear import of DYRK1B (Detro-Dassen et al. 2024. PubMed ID: 38867326). This variant is reported in 0.0058% of alleles in individuals of Latino descent in gnomAD. This variant is interpreted as likely pathogenic.

NM_004714.3(DYRK1B):c.202A>C (p.Lys68Gln)

Gene: DYRK1B (dual specificity tyrosine phosphorylation regulated kinase 1B; minus strand). Cytogenetic location: 19q13.2.
Variant type: single nucleotide variant.
Coding change: c.202A>C on transcript NM_004714.3 (MANE Select); coding-DNA position 202, A replaced by C.
Protein change: p.Lys68Gln; replaces lysine 68 with glutamine.
Molecular consequence: missense variant.
Genome position (GRCh38, 1-based): chr19:39,830,545, T>G on the plus strand (A>C on the coding strand, the complement: DYRK1B is on the minus strand). VCF-style: chr19-39830545-T-G. GRCh37 (hg19) VCF-style: chr19-40321185-T-G.
Other names: c.202A>C, p.Lys68Gln (NM_006483.3, NM_006484.3); short protein forms K68Q.
Identifiers: ClinVar variation 2629374 (VCV002629374.3), dbSNP rs373850179, ClinGen allele CA9434392.